The following is an entry in ClinVar:

ClinVar aggregate classification (germline): Uncertain significance. Review status: criteria provided, multiple submitters, no conflicts (2 of 4 stars). 2 submissions from 2 submitters: Uncertain significance (2). Last evaluated 2023-12-04.

Conditions:
Hereditary cancer-predisposing syndrome. Also called: Neoplastic Syndromes, Hereditary; Tumor predisposition; Hereditary Cancer Syndrome; Hereditary neoplastic syndrome. Identifiers: Orphanet 140162, MedGen C0027672, MeSH D009386, MONDO:0015356.

Submissions (2):

Color Diagnostics, LLC DBA Color Health
Classification: Uncertain significance for Hereditary cancer-predisposing syndrome. Last evaluated: 2023-12-04. Review status: criteria provided, single submitter. Criteria: ACMG Guidelines, 2015. Collection method: clinical testing. Allele origin: germline.
Comment: This missense variant replaces isoleucine with arginine at codon 2615 of the APC protein. Computational prediction suggests that this variant may not impact protein structure and function (internally defined REVEL score threshold <= 0.5, PMID: 27666373). To our knowledge, functional studies have not been reported for this variant. This variant has not been reported in individuals affected with APC-related disorders in the literature. This variant has not been identified in the general population by the Genome Aggregation Database (gnomAD). The available evidence is insufficient to determine the role of this variant in disease conclusively. Therefore, this variant is classified as a Variant of Uncertain Significance.

Ambry Genetics
Classification: Uncertain significance for Hereditary cancer-predisposing syndrome. Last evaluated: 2023-09-06. Review status: criteria provided, single submitter. Criteria: Ambry Variant Classification Scheme 2023. Collection method: clinical testing. Allele origin: germline.
Comment: The p.I2615R variant (also known as c.7844T>G), located in coding exon 15 of the APC gene, results from a T to G substitution at nucleotide position 7844. The isoleucine at codon 2615 is replaced by arginine, an amino acid with similar properties. This amino acid position is conserved. In addition, in silico predictors for this gene do not accurately predict pathogenicity. Since supporting evidence is limited at this time, the clinical significance of this alteration remains unclear.

NM_000038.6(APC):c.7844T>G (p.Ile2615Arg)

Gene: APC (APC regulator of Wnt signaling pathway; plus strand). Cytogenetic location: 5q22.2.
Variant type: single nucleotide variant.
Coding change: c.7844T>G on transcript NM_000038.6 (MANE Select); coding-DNA position 7844, T replaced by G.
Protein change: p.Ile2615Arg; replaces isoleucine 2615 with arginine.
Molecular consequence: missense variant.
Genome position (GRCh38, 1-based): chr5:112,843,438, T>G. VCF-style: chr5-112843438-T-G. GRCh37 (hg19) VCF-style: chr5-112179135-T-G.
Other names: c.7844T>G, p.Ile2615Arg (NM_001127510.3, NM_001354895.2); c.7790T>G, p.Ile2597Arg (NM_001127511.3); c.7898T>G, p.Ile2633Arg (NM_001354896.2); c.7874T>G, p.Ile2625Arg (NM_001354897.2); c.7769T>G, p.Ile2590Arg (NM_001354898.2); c.7760T>G, p.Ile2587Arg (NM_001354899.2); c.7721T>G, p.Ile2574Arg (NM_001354900.2); c.7667T>G, p.Ile2556Arg (NM_001354901.2); and 5 more; short protein forms I2625R, I2524R, I2590R, I2332R, I2556R, I2587R, I2597R, I2615R.
Identifiers: ClinVar variation 923839 (VCV000923839.6), dbSNP rs1317953419, ClinGen allele CA16038375.